The following continues an entry in ClinVar:

NM_000441.2(SLC26A4):c.2219G>T (p.Gly740Val)

Gene: SLC26A4. ClinVar aggregate classification (germline): Conflicting classifications of pathogenicity. Likely pathogenic (5); Uncertain significance (11).

Submissions 12 to 16 of 16:

Genome-Nilou Lab
Classification: Uncertain significance for Pendred syndrome. Last evaluated: 2021-09-05. Review status: criteria provided, single submitter. Criteria: ACMG Guidelines, 2015. Collection method: clinical testing. Allele origin: germline. Affected: no.

Department of Otolaryngology – Head & Neck Surgery, Cochlear Implant Center
Classification: Likely pathogenic for Hearing impairment. Last evaluated: 2021-04-12. Review status: criteria provided, single submitter. Criteria: ClinGen HL ACMG Specifications v1. Collection method: clinical testing. Allele origin: germline. Affected: yes.
Comment: PM2_Supporting, PM3_Moderate, PP4_Supporting

CeGaT Center for Human Genetics Tuebingen
Classification: Uncertain significance. Last evaluated: 2017-07-01. Review status: criteria provided, single submitter. Criteria: CeGaT Center For Human Genetics Tuebingen Variant Classification Criteria Version 2. Collection method: clinical testing. Allele origin: germline. Affected: yes. Observed: 2 variant alleles.

Illumina Laboratory Services, Illumina
Classification: Uncertain significance for Autosomal recessive nonsyndromic hearing loss 4. Last evaluated: 2017-04-27. Review status: criteria provided, single submitter. Criteria: ICSL Variant Classification Criteria 13 December 2019. Collection method: clinical testing. Allele origin: germline.
Comment: This variant was observed as part of a predisposition screen in an ostensibly healthy population. A literature search was performed for the gene, cDNA change, and amino acid change (where applicable). Publications were found based on this search. However, the evidence from the literature, in combination with allele frequency data from public databases where available, was not sufficient to rule this variant in or out of causing disease. Therefore, this variant is classified as a variant of unknown significance.

Illumina Laboratory Services, Illumina
Classification: Uncertain significance for Pendred syndrome. Last evaluated: 2017-04-27. Review status: criteria provided, single submitter. Criteria: ICSL Variant Classification Criteria 13 December 2019. Collection method: clinical testing. Allele origin: germline.
Comment: the same text as in the submission from Illumina Laboratory Services, Illumina above.

Literature cited by the submitters: PubMed 37438890 (cited by Natera, Inc.); PubMed 25991456 (cited by 3 submitters); PubMed 23965030 (cited by 3 submitters); PubMed 16570074 (cited by 4 submitters); PubMed 36833263 (cited by Dasa and Women's Health and Genetics/Laboratory Corporation of America, LabCorp); PubMed 30240412 (cited by Dasa and Women's Health and Genetics/Laboratory Corporation of America, LabCorp); PubMed 25788563 (cited by 3 submitters); PubMed 18285825 (cited by 3 submitters); PubMed 30245029 (cited by Women's Health and Genetics/Laboratory Corporation of America, LabCorp); PubMed 23804846 (cited by Women's Health and Genetics/Laboratory Corporation of America, LabCorp and Labcorp Genetics (formerly Invitae), Labcorp); PubMed 23401162 (cited by Women's Health and Genetics/Laboratory Corporation of America, LabCorp and Illumina Laboratory Services, Illumina); PubMed 20597900 (cited by 3 submitters); PubMed 40121402 (cited by Women's Health and Genetics/Laboratory Corporation of America, LabCorp); PubMed 40501086 (cited by Women's Health and Genetics/Laboratory Corporation of America, LabCorp).